The following is an entry in ClinVar:

NM_022455.5(NSD1):c.2047_2048del (p.Lys683fs)

Gene: NSD1 (nuclear receptor binding SET domain protein 1; plus strand). Cytogenetic location: 5q35.3.
Variant type: Deletion.
Coding change: c.2047_2048del on transcript NM_022455.5 (MANE Select); coding-DNA positions 2047 to 2048, 2 bases deleted (AA; older notation c.2047_2048delAA).
Protein change: p.Lys683fs; shifts the reading frame from lysine 683.
Molecular consequence: frameshift variant.
Genome position (GRCh38, 1-based): chr5:177,210,446-177,210,447, AA deleted; deleting any 2 consecutive bases within chr5:177,210,444-177,210,447 gives the same sequence; the c. name uses the placement nearest the transcript's 3' end. VCF-style (leftmost placement, unchanged base first): chr5-177210443-GAA-G. GRCh37 (hg19) VCF-style: chr5-176637444-GAA-G.
Other names: c.1174_1175delAA, p.Lys392Aspfs (NM_001365684.2, NM_001409306.1, NM_001409307.1 and 3 more transcripts); c.2047_2048delAA, p.Lys683Aspfs (NM_001409301.1, NM_001409302.1, NM_001409303.1); c.1627_1628delAA, p.Lys543Aspfs (NM_001409304.1); c.1294_1295delAA, p.Lys432Aspfs (NM_001409305.1); short protein forms K414fs, K683fs.
Identifiers: ClinVar variation 817335 (VCV000817335.1), dbSNP rs587784079, ClinGen allele CA915942721.

ClinVar aggregate classification (germline): Pathogenic (1 of 4 stars; one submission).

Submission:

GeneDx
Classification: Pathogenic. Last evaluated: 2018-12-06. Review status: criteria provided, single submitter. Criteria: GeneDx Variant Classification (06012015). Collection method: clinical testing. Allele origin: germline. Affected: yes.
Comment: The c.2047_2048delAA pathogenic variant in the NSD1 gene causes a frameshift starting with codon Lysine 683, changes this amino acid to an Aspartate residue and creates a premature Stop codon at position 5 of the new reading frame, denoted p.Lys683AspfsX5. This pathogenic variant is predicted to cause loss of normal protein function either through protein truncation or nonsense-mediated mRNA decay. The c.2047_2048delAA variant is not observed in large population cohorts (Lek et al., 2016).